The following is an entry in ClinVar:

NM_021076.4(NEFH):c.1936G>C (p.Ala646Pro)

Gene: NEFH (neurofilament heavy chain; plus strand). Cytogenetic location: 22q12.2.
Variant type: single nucleotide variant.
Coding change: c.1936G>C on transcript NM_021076.4 (MANE Select); coding-DNA position 1936, G replaced by C.
Protein change: p.Ala646Pro; replaces alanine 646 with proline.
Molecular consequence: missense variant.
Genome position (GRCh38, 1-based): chr22:29,489,576, G>C. VCF-style: chr22-29489576-G-C. GRCh37 (hg19) VCF-style: chr22-29885565-G-C.
Other names: short protein forms A646P.
Identifiers: ClinVar variation 1782971 (VCV001782971.2), dbSNP rs2517977810, ClinGen allele CA411132603.

ClinVar aggregate classification (germline): Uncertain significance (1 of 4 stars; one submission).

Conditions:
Inborn genetic diseases. Identifiers: MedGen C0950123, MeSH D030342.

Submission:

Ambry Genetics
Classification: Uncertain significance for Inborn genetic diseases. Last evaluated: 2021-11-07. Review status: criteria provided, single submitter. Criteria: Ambry Variant Classification Scheme 2023. Collection method: clinical testing. Allele origin: germline.
Comment: The p.A646P variant (also known as c.1936G>C), located in coding exon 4 of the NEFH gene, results from a G to C substitution at nucleotide position 1936. The alanine at codon 646 is replaced by proline, an amino acid with highly similar properties. This amino acid position is conserved. In addition, this alteration is predicted to be tolerated by in silico analysis. Since supporting evidence is limited at this time, the clinical significance of this alteration remains unclear.